The following is an entry in ClinVar:

NM_001318852.2(MAPK8IP3):c.2960T>C (p.Val987Ala)

Gene: MAPK8IP3 (mitogen-activated protein kinase 8 interacting protein 3; plus strand). Cytogenetic location: 16p13.3.
Variant type: single nucleotide variant.
Coding change: c.2960T>C on transcript NM_001318852.2 (MANE Select); coding-DNA position 2960, T replaced by C.
Protein change: p.Val987Ala; replaces valine 987 with alanine.
Molecular consequence: missense variant.
Genome position (GRCh38, 1-based): chr16:1,766,743, T>C. VCF-style: chr16-1766743-T-C. GRCh37 (hg19) VCF-style: chr16-1816744-T-C.
Other names: c.2939T>C, p.Val980Ala (NM_001040439.2); c.2957T>C, p.Val986Ala (NM_015133.5); short protein forms V980A, V986A, V987A.
Identifiers: ClinVar variation 3766404 (VCV003766404.1).

ClinVar aggregate classification (germline): Uncertain significance (1 of 4 stars; one submission).

gnomAD v4.1: 5 of 1,612,738 alleles (0.00031%); highest among the groups gnomAD compares: African/African-American, 0.004%; no homozygotes.

Submission:

GeneDx
Classification: Uncertain significance. Last evaluated: 2024-08-27. Review status: criteria provided, single submitter. Criteria: GeneDx Variant Classification Process June 2021. Collection method: clinical testing. Allele origin: germline. Affected: yes.
Comment: Not observed at significant frequency in large population cohorts (gnomAD); In silico analysis supports that this missense variant has a deleterious effect on protein structure/function; Has not been previously published as pathogenic or benign to our knowledge